The following is an entry in ClinVar:

NM_005585.5(SMAD6):c.1377C>A (p.Tyr459Ter)

Gene: SMAD6 (SMAD family member 6; plus strand). Cytogenetic location: 15q22.31.
Variant type: single nucleotide variant.
Coding change: c.1377C>A on transcript NM_005585.5 (MANE Select); coding-DNA position 1377, C replaced by A.
Protein change: p.Tyr459Ter; replaces tyrosine 459 with a stop codon.
Molecular consequence: nonsense. On other transcripts: non-coding transcript variant (1).
Genome position (GRCh38, 1-based): chr15:66,781,421, C>A. VCF-style: chr15-66781421-C-A. GRCh37 (hg19) VCF-style: chr15-67073759-C-A.
Other names: short protein forms Y459*.
Identifiers: ClinVar variation 4279918 (VCV004279918.1).

ClinVar aggregate classification (germline): Uncertain significance (1 of 4 stars; one submission).

Conditions:
Craniosynostosis 7 (CRS7). Also called: CRANIOSYNOSTOSIS 7, DIGENIC; CRS7, DIGENIC. Identifiers: MedGen C4479496, MONDO:0044315, OMIM 617439.

Submission:

Clinical Genomics Laboratory, Washington University in St. Louis
Classification: Uncertain significance for Craniosynostosis 7. Last evaluated: 2025-09-03. Review status: criteria provided, single submitter. Criteria: ACMG Guidelines, 2015. Collection method: clinical testing. Allele origin: germline.
Comment: The SMAD6 c.1377C>A (p.Y459*), to our knowledge, has not been reported in medical literature. This variant is absent from the general population (gnomAD v.2.1.1), indicating it is not a common variant. This variant creates a premature termination codon; however, because this variant occurs in the last exon, it is not predicted to lead to nonsense-mediated decay. Due to limited information, and based on ACMG/AMP guidelines for variant interpretation (Richards S et al., PMID: 25741868), the clinical significance of this variant is uncertain at this time.